The following is an entry in ClinVar:

NM_020549.5(CHAT):c.698+2T>C

Gene: CHAT (choline O-acetyltransferase; plus strand). Cytogenetic location: 10q11.23.
Variant type: single nucleotide variant.
Coding change: c.698+2T>C on transcript NM_020549.5 (MANE Select); the canonical splice donor site of the intron after coding-DNA position 698, T replaced by C.
Molecular consequence: splice donor variant.
Genome position (GRCh38, 1-based): chr10:49,620,615, T>C. VCF-style: chr10-49620615-T-C. GRCh37 (hg19) VCF-style: chr10-50828661-T-C.
Other names: c.344+2T>C (NM_020984.4, NM_020985.4, NM_020986.4 and 2 more transcripts); c.452+2T>C (NM_001142933.2).
Identifiers: ClinVar variation 2913157 (VCV002913157.4), dbSNP rs904408037, ClinGen allele CA206625708.

ClinVar aggregate classification (germline): Likely pathogenic. Review status: criteria provided, multiple submitters, no conflicts (2 of 4 stars). 2 submissions from 2 submitters: Likely pathogenic (2). Last evaluated 2024-09-30.

Conditions:
Familial infantile myasthenia (CMS6). Also called: Congenital myasthenic syndrome type 6; MYASTHENIC SYNDROME, PRESYNAPTIC, CONGENITAL, ASSOCIATED WITH EPISODIC APNEA; MYASTHENIC SYNDROME, CONGENITAL, 6, PRESYNAPTIC. Identifiers: Orphanet 590, MedGen C0393929, MONDO:0009689, OMIM 254210.
Congenital myasthenic syndrome (CMS). Also called: Congenital Myasthenic Syndromes. Identifiers: Orphanet 590, MedGen C0751882, MeSH D020294, MONDO:0018940.

Allele frequency attached by ClinVar (database versions not stated): TOPMed 0.00002.

Submissions (2):

Women's Health and Genetics/Laboratory Corporation of America, LabCorp
Classification: Likely pathogenic for Congenital myasthenic syndrome. Last evaluated: 2024-09-30. Review status: criteria provided, single submitter. Criteria: LabCorp Variant Classification Summary - May 2015. Collection method: clinical testing. Allele origin: germline.
Comment: Variant summary: CHAT c.698+2T>C is located in a canonical splice-site and is predicted to affect mRNA splicing resulting in a significantly altered protein due to either exon skipping, shortening, or inclusion of intronic material. Variants that disrupt the consensus splice site are a relatively common cause of aberrant splicing and loss of CHAT function. Several computational tools predict a significant impact on normal splicing: Three predict the variant abolishes a 5' splicing donor site. One predicts the variant weakens a 5' donor site. However, these predictions have yet to be confirmed by functional studies. The variant was absent in 251360 control chromosomes. To our knowledge, no occurrence of c.698+2T>C in individuals affected with Congenital Myasthenic Syndrome and no experimental evidence demonstrating its impact on protein function have been reported. ClinVar contains an entry for this variant (Variation ID: 2913157). Based on the evidence outlined above, the variant was classified as likely pathogenic.

Labcorp Genetics (formerly Invitae), Labcorp
Classification: Likely pathogenic for Familial infantile myasthenia. Last evaluated: 2023-03-27. Review status: criteria provided, single submitter. Criteria: Invitae Variant Classification Sherloc (09022015). Collection method: clinical testing. Allele origin: germline.
Comment: In summary, the currently available evidence indicates that the variant is pathogenic, but additional data are needed to prove that conclusively. Therefore, this variant has been classified as Likely Pathogenic. Algorithms developed to predict the effect of sequence changes on RNA splicing suggest that this variant may disrupt the consensus splice site. This variant has not been reported in the literature in individuals affected with CHAT-related conditions. This variant is not present in population databases (gnomAD no frequency). This sequence change affects a donor splice site in intron 4 of the CHAT gene. It is expected to disrupt RNA splicing. Variants that disrupt the donor or acceptor splice site typically lead to a loss of protein function (PMID: 16199547), and loss-of-function variants in CHAT are known to be pathogenic (PMID: 12548525, 21786365, 23292760).

Literature cited by the submitters: PubMed 16199547 (cited by Labcorp Genetics (formerly Invitae), Labcorp); PubMed 12548525 (cited by Labcorp Genetics (formerly Invitae), Labcorp); PubMed 21786365 (cited by Labcorp Genetics (formerly Invitae), Labcorp); PubMed 23292760 (cited by Labcorp Genetics (formerly Invitae), Labcorp).